The following is an entry in ClinVar:

ClinVar aggregate classification (germline): Pathogenic (1 of 4 stars; one submission).

Conditions:
Gorlin syndrome. Also called: Nevoid Basal Cell Carcinoma Syndrome; Basal cell nevus syndrome. Identifiers: Orphanet 377, MedGen C0004779, MONDO:0007187.

Submission:

Labcorp Genetics (formerly Invitae), Labcorp
Classification: Pathogenic for Gorlin syndrome. Last evaluated: 2020-06-10. Review status: criteria provided, single submitter. Criteria: Invitae Variant Classification Sherloc (09022015). Collection method: clinical testing. Allele origin: germline.
Comment: This variant is not present in population databases (ExAC no frequency). This sequence change creates a premature translational stop signal (p.Leu775Alafs*15) in the PTCH1 gene. It is expected to result in an absent or disrupted protein product. This variant has not been reported in the literature in individuals with PTCH1-related conditions. For these reasons, this variant has been classified as Pathogenic. Loss-of-function variants in PTCH1 are known to be pathogenic (PMID: 16301862, 16419085).

Literature cited by the submitters: PubMed 16301862; PubMed 16419085.

NM_000264.5(PTCH1):c.2322dup (p.Leu775fs)

Genes: PTCH1 (patched 1; minus strand), LOC100507346 (uncharacterized LOC100507346; plus strand). Cytogenetic location: 9q22.32.
Variant type: Duplication.
Coding change: c.2322dup on transcript NM_000264.5 (MANE Select); coding-DNA position 2322, one base duplicated (G; older notation c.2322dupG).
Protein change: p.Leu775fs; shifts the reading frame from leucine 775.
Molecular consequence: frameshift variant. On other transcripts: non-coding transcript variant (1).
Genome position (GRCh38, 1-based): chr9:95,467,354, C duplicated on the plus strand (G on the coding strand, the reverse complement: PTCH1 is on the minus strand); the first of 3 consecutive C bases (chr9:95,467,354-95,467,356); duplicating any one gives the same sequence. VCF-style (leftmost placement, unchanged base first): chr9-95467353-G-GC. GRCh37 (hg19) VCF-style: chr9-98229635-G-GC.
Other names: c.2124dup, p.Leu709fs (NM_001083602.3); c.2319dup, p.Leu774fs (NM_001083603.3); c.1869dup, p.Leu624fs (NM_001083604.3, NM_001083605.3, NM_001083606.3 and 1 more transcripts); c.2166dup, p.Leu723fs (NM_001354918.2); short protein forms L624fs, L709fs, L723fs, L774fs, L775fs.
Identifiers: ClinVar variation 1071127 (VCV001071127.9), dbSNP rs2117970934, ClinGen allele CA2499220048.